The following is an entry in ClinVar:

ClinVar aggregate classification (germline): Uncertain significance (1 of 4 stars; one submission).

Conditions:
WDPCP-related disorder. Also called: WDPCP-related condition.

gnomAD v4.1: 3 of 1,613,818 alleles (0.00019%); highest among the groups gnomAD compares: African/African-American, 0.0027%; no homozygotes.

Submission:

PreventionGenetics, part of Exact Sciences
Classification: Uncertain significance for WDPCP-related condition. Last evaluated: 2025-04-27. Review status: criteria provided, single submitter. Criteria: ACMG Guidelines, 2015. Collection method: clinical testing. Allele origin: germline.
Comment: The WDPCP c.1981C>T variant is predicted to result in the amino acid substitution p.Pro661Ser. To our knowledge, this variant has not been reported in the literature. This variant is reported in 0.0065% of alleles in individuals of African descent in gnomAD. At this time, the clinical significance of this variant is uncertain due to the absence of conclusive functional and genetic evidence.

NM_015910.7(WDPCP):c.1981C>T (p.Pro661Ser)

Gene: WDPCP (WD repeat containing planar cell polarity effector; minus strand). Cytogenetic location: 2p15.
Variant type: single nucleotide variant.
Coding change: c.1981C>T on transcript NM_015910.7 (MANE Select); coding-DNA position 1981, C replaced by T.
Protein change: p.Pro661Ser; replaces proline 661 with serine.
Molecular consequence: missense variant. On other transcripts: non-coding transcript variant (3).
Genome position (GRCh38, 1-based): chr2:63,174,767, G>A on the plus strand (C>T on the coding strand, the complement: WDPCP is on the minus strand). VCF-style: chr2-63174767-G-A. GRCh37 (hg19) VCF-style: chr2-63401902-G-A.
Other names: c.1504C>T, p.Pro502Ser (NM_001042692.3); c.1909C>T, p.Pro637Ser (NM_001354044.2); short protein forms P502S, P637S, P661S.
Identifiers: ClinVar variation 3358256 (VCV003358256.2).